The following is an entry in ClinVar:

NM_004999.4(MYO6):c.*875C>T

Gene: MYO6 (myosin VI; plus strand). Cytogenetic location: 6q14.1.
Variant type: single nucleotide variant.
Coding change: c.*875C>T on transcript NM_004999.4 (MANE Select); 875 bases downstream of the stop codon, C replaced by T.
Molecular consequence: 3 prime UTR variant. On other transcripts: non-coding transcript variant (1).
Genome position (GRCh38, 1-based): chr6:75,915,887, C>T. VCF-style: chr6-75915887-C-T. GRCh37 (hg19) VCF-style: chr6-76625604-C-T.
Other names: c.*875C>T (NM_001300899.2, NM_001368136.1, NM_001368137.1 and 3 more transcripts).
Identifiers: ClinVar variation 358008 (VCV000358008.6), dbSNP rs184099248, ClinGen allele CA10624648.

ClinVar aggregate classification (germline): Conflicting classifications of pathogenicity. Review status: criteria provided, conflicting classifications (1 of 4 stars). 3 submissions from 2 submitters: Uncertain significance (1); Benign (1); Likely benign (1). Last evaluated 2021-08-25.

Conditions:
Autosomal dominant nonsyndromic hearing loss 22. Also called: Autosomal dominant nonsyndromic deafness 22; DFNA 22. Identifiers: Orphanet 228012, MedGen C2931767, MONDO:0011660, OMIM 606346.
Autosomal recessive nonsyndromic hearing loss 37. Identifiers: Orphanet 90636, MedGen C1843028, MONDO:0011912, OMIM 607821.

Allele frequency attached by ClinVar (database versions not stated): TOPMed 0.00195; 1000 Genomes Project 30x 0.01015; 1000 Genomes Project 0.01078; gnomAD exomes 0.01168.
gnomAD v4.1: 729 of 152,628 alleles (0.48%); highest among the groups gnomAD compares: South Asian, 4.5%; 6 homozygotes.

Submissions (3):

GeneDx
Classification: Likely benign. Last evaluated: 2021-08-25. Review status: criteria provided, single submitter. Criteria: GeneDx Variant Classification Process June 2021. Collection method: clinical testing. Allele origin: germline. Affected: yes.

Illumina Laboratory Services, Illumina
Classification: Benign for Autosomal dominant nonsyndromic hearing loss 22. Last evaluated: 2018-01-12. Review status: criteria provided, single submitter. Criteria: ICSL Variant Classification Criteria 13 December 2019. Collection method: clinical testing. Allele origin: germline.
Comment: This variant was observed in the ICSL laboratory as part of a predisposition screen in an ostensibly healthy population. It had not been previously curated by ICSL or reported in the Human Gene Mutation Database (HGMD: prior to June 1st, 2018), and was therefore a candidate for classification through an automated scoring system. Utilizing variant allele frequency, disease prevalence and penetrance estimates, and inheritance mode, an automated score was calculated to assess if this variant is too frequent to cause the disease. Based on the score and internal cut-off values, a variant classified as benign is not then subjected to further curation. The score for this variant resulted in a classification of benign for this disease.

Illumina Laboratory Services, Illumina
Classification: Uncertain significance for Autosomal recessive nonsyndromic hearing loss 37. Last evaluated: 2018-01-12. Review status: criteria provided, single submitter. Criteria: ICSL Variant Classification Criteria 13 December 2019. Collection method: clinical testing. Allele origin: germline.